The following is an entry in ClinVar:

NM_006096.4(NDRG1):c.64A>G (p.Thr22Ala)

Gene: NDRG1 (N-myc downstream regulated 1; minus strand). Cytogenetic location: 8q24.22.
Variant type: single nucleotide variant.
Coding change: c.64A>G on transcript NM_006096.4 (MANE Select); coding-DNA position 64, A replaced by G.
Protein change: p.Thr22Ala; replaces threonine 22 with alanine.
Molecular consequence: missense variant. On other transcripts: 5 prime UTR variant (2), intron variant (1).
Genome position (GRCh38, 1-based): chr8:133,280,267, T>C on the plus strand (A>G on the coding strand, the complement: NDRG1 is on the minus strand). VCF-style: chr8-133280267-T-C. GRCh37 (hg19) VCF-style: chr8-134292510-T-C.
Other names: c.64A>G, p.Thr22Ala (NM_001135242.2, NM_001374844.1, NM_001374845.1 and 1 more transcripts); c.-74A>G (NM_001258433.2); c.-135A>G (NM_001374847.1); c.-99-15615A>G (NM_001258432.2); short protein forms T22A.
Identifiers: ClinVar variation 1381366 (VCV001381366.5), dbSNP rs755696955, ClinGen allele CA4886920.

ClinVar aggregate classification (germline): Uncertain significance (1 of 4 stars; one submission).

Conditions:
Charcot-Marie-Tooth disease type 4. Also called: Charcot-Marie-Tooth, Type 4; Charcot-Marie-Tooth disease, type IV. Identifiers: Orphanet 64749, MedGen C4082197, MONDO:0018995.

Allele frequency attached by ClinVar (database versions not stated): gnomAD 0.00001; TOPMed 0.00001; gnomAD exomes 0.00002 and 0.00004; ExAC 0.00007.
gnomAD v4.1: 31 of 1,613,972 alleles (0.0019%); highest among the groups gnomAD compares: Non-Finnish European, 0.0023%; no homozygotes.

Submission:

Labcorp Genetics (formerly Invitae), Labcorp
Classification: Uncertain significance for Charcot-Marie-Tooth disease type 4. Last evaluated: 2021-08-30. Review status: criteria provided, single submitter. Criteria: Invitae Variant Classification Sherloc (09022015). Collection method: clinical testing. Allele origin: germline.
Comment: This sequence change replaces threonine with alanine at codon 22 of the NDRG1 protein (p.Thr22Ala). The threonine residue is weakly conserved and there is a small physicochemical difference between threonine and alanine. This variant is present in population databases (rs755696955, ExAC 0.01%). This variant has not been reported in the literature in individuals affected with NDRG1-related conditions. Algorithms developed to predict the effect of missense changes on protein structure and function (SIFT, PolyPhen-2, Align-GVGD) all suggest that this variant is likely to be tolerated. In summary, the available evidence is currently insufficient to determine the role of this variant in disease. Therefore, it has been classified as a Variant of Uncertain Significance.